The following is an entry in ClinVar:

NM_006852.6(TLK2):c.2086A>G (p.Ile696Val)

Gene: TLK2 (tousled like kinase 2; plus strand). Cytogenetic location: 17q23.2.
Variant type: single nucleotide variant.
Coding change: c.2086A>G on transcript NM_006852.6 (MANE Select); coding-DNA position 2086, A replaced by G.
Protein change: p.Ile696Val; replaces isoleucine 696 with valine.
Molecular consequence: missense variant.
Genome position (GRCh38, 1-based): chr17:62,612,398, A>G. VCF-style: chr17-62612398-A-G. GRCh37 (hg19) VCF-style: chr17-60689759-A-G.
Other names: c.1897A>G, p.Ile633Val (NM_001438205.1); c.2152A>G, p.Ile718Val (NM_001284333.3); c.1990A>G, p.Ile664Val (NM_001284363.1, NM_001375272.1, NM_001438203.1 and 1 more transcripts); c.1639A>G, p.Ile547Val (NM_001330418.3, NM_001375273.1); c.2128A>G, p.Ile710Val (NM_001375269.1); c.2086A>G, p.Ile696Val (NM_001375270.1, NM_001375271.1); c.1801A>G, p.Ile601Val (NM_001411074.1); short protein forms I547V, I601V, I633V, I664V, I696V, I710V, I718V.
Identifiers: ClinVar variation 4886003 (VCV004886003.2).

ClinVar aggregate classification (germline): Uncertain significance (1 of 4 stars; one submission).

Submission:

Dasa
Classification: Uncertain significance. Last evaluated: 2026-04-02. Review status: criteria provided, single submitter. Criteria: DASA Assertion Criteria. Collection method: clinical testing. Allele origin: germline.
Comment: NM_006852.6(TLK2):c.2086A>G (p.Ile696Val) is a missense variant that results in the substitution of isoleucine with valine. This variant is absent from population databases. The currently available literature and clinical evidence are not sufficient to establish a definitive association between this variant and the reported condition. Therefore, this variant is classified as a variant of uncertain significance.